The following is an entry in ClinVar:

ClinVar aggregate classification (germline): Uncertain significance (1 of 4 stars; one submission).

Conditions:
Polyglandular autoimmune syndrome, type 1 (APS1). Also called: Autoimmune polyendocrinopathy syndrome, type I; Autoimmune polyendocrinopathy syndrome , type I, with or without reversible metaphyseal dysplasia; HYPOADRENOCORTICISM WITH HYPOPARATHYROIDISM AND SUPERFICIAL MONILIASIS; Autoimmune polyendocrine syndrome type 1; AUTOIMMUNE POLYENDOCRINE SYNDROME, TYPE I, WITH OR WITHOUT REVERSIBLE METAPHYSEAL DYSPLASIA; APS I. Identifiers: Orphanet 3453, MedGen C0085859, MONDO:0009411, OMIM 240300.

Allele frequency attached by ClinVar (database versions not stated): gnomAD 0.00001; gnomAD exomes 0.00001; TOPMed 0.00002.
gnomAD v4.1: 23 of 1,532,158 alleles (0.0015%); highest among the groups gnomAD compares: Middle Eastern, 0.02%; no homozygotes.

Submission:

Labcorp Genetics (formerly Invitae), Labcorp
Classification: Uncertain significance for Polyglandular autoimmune syndrome, type 1. Last evaluated: 2025-12-30. Review status: criteria provided, single submitter. Criteria: Invitae Variant Classification Sherloc (09022015). Collection method: clinical testing. Allele origin: germline.
Comment: This sequence change replaces aspartic acid, which is acidic and polar, with asparagine, which is neutral and polar, at codon 4 of the AIRE protein (p.Asp4Asn). The frequency data for this variant in the population databases is considered unreliable, as metrics indicate poor data quality at this position in the gnomAD database. This variant has not been reported in the literature in individuals affected with AIRE-related conditions. ClinVar contains an entry for this variant (Variation ID: 646730). Invitae Evidence Modeling of protein sequence and biophysical properties (such as structural, functional, and spatial information, amino acid conservation, physicochemical variation, residue mobility, and thermodynamic stability) has been performed for this missense variant. However, the output from this modeling did not meet the statistical confidence thresholds required to predict the impact of this variant on AIRE protein function. In summary, the available evidence is currently insufficient to determine the role of this variant in disease. Therefore, it has been classified as a Variant of Uncertain Significance.

NM_000383.4(AIRE):c.10G>A (p.Asp4Asn)

Gene: AIRE (autoimmune regulator; plus strand). Cytogenetic location: 21q22.3.
Variant type: single nucleotide variant.
Coding change: c.10G>A on transcript NM_000383.4 (MANE Select); coding-DNA position 10, G replaced by A.
Protein change: p.Asp4Asn; replaces aspartic acid 4 with asparagine.
Molecular consequence: missense variant.
Genome position (GRCh38, 1-based): chr21:44,286,016, G>A. VCF-style: chr21-44286016-G-A. GRCh37 (hg19) VCF-style: chr21-45705899-G-A.
Other names: short protein forms D4N.
Identifiers: ClinVar variation 646730 (VCV000646730.5), dbSNP rs1014398252, ClinGen allele CA321787729.